The following is an entry in ClinVar:

NM_000135.4(FANCA):c.1143G>T (p.Thr381=)

Gene: FANCA (FA complementation group A; minus strand). Cytogenetic location: 16q24.3.
Variant type: single nucleotide variant.
Coding change: c.1143G>T on transcript NM_000135.4 (MANE Select); coding-DNA position 1143, G replaced by T.
Protein change: p.Thr381=; no amino-acid change (threonine 381 retained).
Molecular consequence: synonymous variant.
Genome position (GRCh38, 1-based): chr16:89,792,009, C>A on the plus strand (G>T on the coding strand, the complement: FANCA is on the minus strand). VCF-style: chr16-89792009-C-A. GRCh37 (hg19) VCF-style: chr16-89858417-C-A.
Other names: p.Thr381=; c.1143G>T (LRG_495t1, NM_000135.3); c.1143G>T, p.Thr381= (NM_001286167.3).
Identifiers: ClinVar variation 255231 (VCV000255231.32), dbSNP rs1800331, ClinGen allele CA8252498.
Genomic context (GRCh38, chr16:89,792,009, plus strand): 5'-TGGAAAGCAGACAACCAGGGCAGACACAAAGGAGAGCACTCTCTGCCAGTGAACCTCCTG[C>A]GTTTCCAGAACTTCTTGCAAATGGCCAACCAACTCCTCTGCACTCAGCATCACAAAGAGC-3'
Protein context (NP_000126.2, residues 371-391): LVGHLQEVLE[Thr381=]QEVHWQRVLS

ClinVar aggregate classification (germline): Benign/Likely benign. Review status: criteria provided, multiple submitters, no conflicts (2 of 4 stars). 12 submissions from 12 submitters: Benign (10); Likely benign (1). 1 of the submissions does not count toward it. Last evaluated 2026-02-04.

Conditions:
Fanconi anemia (FA). Also called: Fanconi's anemia. Identifiers: Orphanet 84, MedGen C0015625, MeSH D005199, MONDO:0019391.
Fanconi anemia complementation group A (FANCA). Also called: Fanconi anemia, group A; FANCA-Related Fanconi Anemia. Identifiers: Orphanet 84, MedGen C3469521, MONDO:0009215, OMIM 227650.

Allele frequency attached by ClinVar (database versions not stated): ESP Exome Variant Server 0.06063; TOPMed 0.06628; 1000 Genomes Project 30x 0.06777; gnomAD 0.06866; 1000 Genomes Project 0.07188.
gnomAD v4.1: 124,550 of 1,614,114 alleles (7.7%); highest among the groups gnomAD compares: East Asian, 16%; 5,724 homozygotes.

Submissions (12):

Labcorp Genetics (formerly Invitae), Labcorp
Classification: Benign for Fanconi anemia. Last evaluated: 2026-02-04. Review status: criteria provided, single submitter. Criteria: Invitae Variant Classification Sherloc (09022015). Collection method: clinical testing. Allele origin: germline.

ARUP Laboratories, Molecular Genetics and Genomics, ARUP Laboratories
Classification: Benign for Fanconi anemia complementation group A. Last evaluated: 2025-07-28. Review status: criteria provided, single submitter. Criteria: ARUP Molecular Germline Variant Investigation Process 2024. Collection method: clinical testing. Allele origin: germline.

GeneKor MSA
Classification: Benign for Fanconi anemia complementation group A. Last evaluated: 2025-07-10. Review status: criteria provided, single submitter. Criteria: ACMG Guidelines, 2015. Collection method: clinical testing. Allele origin: germline.

Blueprint Genetics
Classification: Likely benign. Last evaluated: 2024-11-27. Review status: criteria provided, single submitter. Criteria: ACMG Guidelines, 2015. Collection method: clinical testing. Allele origin: germline.

KCCC/NGS Laboratory, Kuwait Cancer Control Center
Classification: Benign for Fanconi anemia complementation group A. Last evaluated: 2023-07-07. Review status: criteria provided, single submitter. Criteria: ACMG Guidelines, 2015. Collection method: clinical testing. Allele origin: germline. Affected: yes.

Mayo Clinic Laboratories, Mayo Clinic
Classification: Benign. Last evaluated: 2022-09-06. Review status: criteria provided, single submitter. Criteria: ACMG Guidelines, 2015. Collection method: clinical testing. Allele origin: germline. Observed: 191 variant alleles.

Women's Health and Genetics/Laboratory Corporation of America, LabCorp
Classification: Benign. Last evaluated: 2021-12-10. Review status: criteria provided, single submitter. Criteria: LabCorp Variant Classification Summary - May 2015. Collection method: clinical testing. Allele origin: germline.

GeneDx
Classification: Benign. Last evaluated: 2019-02-06. Review status: criteria provided, single submitter. Criteria: GeneDx Variant Classification Process June 2021. Collection method: clinical testing. Allele origin: germline. Affected: yes.

Illumina Laboratory Services, Illumina
Classification: Benign for Fanconi anemia complementation group A. Last evaluated: 2018-01-12. Review status: criteria provided, single submitter. Criteria: ICSL Variant Classification Criteria 13 December 2019. Collection method: clinical testing. Allele origin: germline.
Comment: This variant was observed in the ICSL laboratory as part of a predisposition screen in an ostensibly healthy population. It had not been previously curated by ICSL or reported in the Human Gene Mutation Database (HGMD: prior to June 1st, 2018), and was therefore a candidate for classification through an automated scoring system. Utilizing variant allele frequency, disease prevalence and penetrance estimates, and inheritance mode, an automated score was calculated to assess if this variant is too frequent to cause the disease. Based on the score and internal cut-off values, a variant classified as benign is not then subjected to further curation. The score for this variant resulted in a classification of benign for this disease.

Breakthrough Genomics
Classification: Benign. Review status: criteria provided, single submitter. Criteria: ACMG Guidelines, 2015. Collection method: not provided. Allele origin: germline. Inheritance: Autosomal recessive inheritance. Affected: yes.

PreventionGenetics, part of Exact Sciences
Classification: Benign. Review status: criteria provided, single submitter. Criteria: ACMG Guidelines, 2015. Collection method: clinical testing. Allele origin: germline.

Natera, Inc.
Classification: Benign for Fanconi anemia, group A. Last evaluated: 2020-09-16. Review status: no assertion criteria provided. Collection method: clinical testing. Allele origin: germline. Not counted in ClinVar's aggregate classification.